The following is an entry in ClinVar:

ClinVar aggregate classification (germline): Likely benign (1 of 4 stars; one submission).

Submission:

CeGaT Center for Human Genetics Tuebingen
Classification: Likely benign. Last evaluated: 2026-04-01. Review status: criteria provided, single submitter. Criteria: CeGaT Center For Human Genetics Tuebingen Variant Classification Criteria Version 2. Collection method: clinical testing. Allele origin: germline. Affected: yes. Observed: 1 variant allele.
Comment: MAGEC1: BP4, BP7

NM_005462.5(MAGEC1):c.1629G>A (p.Leu543=)

Gene: MAGEC1 (MAGE family member C1; plus strand). Cytogenetic location: Xq27.2.
Variant type: single nucleotide variant.
Coding change: c.1629G>A on transcript NM_005462.5 (MANE Select); coding-DNA position 1629, G replaced by A.
Protein change: p.Leu543=; no amino-acid change (leucine 543 retained).
Molecular consequence: synonymous variant.
Genome position (GRCh38, 1-based): chrX:141,907,033, G>A. VCF-style: chrX-141907033-G-A. GRCh37 (hg19) VCF-style: chrX-140994819-G-A.
Identifiers: ClinVar variation 4872037 (VCV004872037.2).
Genomic context (GRCh38, chrX:141,907,033, plus strand): 5'-GGAGAATACCCATTCTCCTCTCCAGATTGTTCCAAGTCTTCCTGAGTGGGAGGACTCCCT[G>A]TCTCCTCACTACTTTCCTCAGAGCCCTCCTCAGGGGGAGGACTCCCTATCTCCTCACTAC-3'
Protein context (NP_005453.2, residues 533-553): VPSLPEWEDS[Leu543=]SPHYFPQSPP